The following is an entry in ClinVar:

NM_004086.3(COCH):c.302_303del (p.Tyr101fs)

Genes: COCH (cochlin; plus strand), COCH-AS1 (COCH antisense RNA 1; minus strand). Cytogenetic location: 14q12.
Variant type: Deletion.
Coding change: c.302_303del on transcript NM_004086.3 (MANE Select); coding-DNA positions 302 to 303, 2 bases deleted (AT; older notation c.302_303delAT).
Protein change: p.Tyr101fs; shifts the reading frame from tyrosine 101.
Molecular consequence: frameshift variant.
Genome position (GRCh38, 1-based): chr14:30,878,873-30,878,874, AT deleted; deleting any 2 consecutive bases within chr14:30,878,872-30,878,874 gives the same sequence; the c. name uses the placement nearest the transcript's 3' end. VCF-style (leftmost placement, unchanged base first): chr14-30878871-CTA-C. GRCh37 (hg19) VCF-style: chr14-31348077-CTA-C.
Other names: c.302_303del, p.Tyr101fs (NM_001135058.2); c.497_498del, p.Tyr166fs (NM_001347720.2); short protein forms Y101fs, Y166fs.
Identifiers: ClinVar variation 3675020 (VCV003675020.2).

ClinVar aggregate classification (germline): Pathogenic (1 of 4 stars; one submission).

Submission:

Labcorp Genetics (formerly Invitae), Labcorp
Classification: Pathogenic. Last evaluated: 2024-09-02. Review status: criteria provided, single submitter. Criteria: Invitae Variant Classification Sherloc (09022015). Collection method: clinical testing. Allele origin: germline.
Comment: This sequence change creates a premature translational stop signal (p.Tyr101Phefs*15) in the COCH gene. It is expected to result in an absent or disrupted protein product. Loss-of-function variants in COCH are known to be pathogenic (PMID: 29449721, 31126177). This variant is present in population databases (rs754218343, gnomAD 0.02%). This variant has not been reported in the literature in individuals affected with COCH-related conditions. For these reasons, this variant has been classified as Pathogenic.

Literature cited by the submitters: PubMed 29449721; PubMed 31126177.